The following is an entry in ClinVar:

NM_004177.5(STX3):c.329C>T (p.Ser110Leu)

Gene: STX3 (syntaxin 3; plus strand). Cytogenetic location: 11q12.1.
Variant type: single nucleotide variant.
Coding change: c.329C>T on transcript NM_004177.5 (MANE Select); coding-DNA position 329, C replaced by T.
Protein change: p.Ser110Leu; replaces serine 110 with leucine.
Molecular consequence: missense variant.
Genome position (GRCh38, 1-based): chr11:59,790,558, C>T. VCF-style: chr11-59790558-C-T. GRCh37 (hg19) VCF-style: chr11-59558031-C-T.
Other names: c.329C>T, p.Ser110Leu (NM_001178040.3); short protein forms S110L.
Identifiers: ClinVar variation 1350669 (VCV001350669.5), dbSNP rs531306282, ClinGen allele CA6020836.

ClinVar aggregate classification (germline): Uncertain significance (1 of 4 stars; one submission).

Allele frequency attached by ClinVar (database versions not stated): gnomAD 0.00001 and 0.00002; gnomAD exomes 0.00001; TOPMed 0.00001; ExAC 0.00002; 1000 Genomes Project 30x 0.00016; 1000 Genomes Project 0.00020.
gnomAD v4.1: 12 of 1,614,024 alleles (0.00074%); highest among the groups gnomAD compares: South Asian, 0.0033%; no homozygotes.

Submission:

Labcorp Genetics (formerly Invitae), Labcorp
Classification: Uncertain significance. Last evaluated: 2022-06-02. Review status: criteria provided, single submitter. Criteria: Invitae Variant Classification Sherloc (09022015). Collection method: clinical testing. Allele origin: germline.
Comment: This sequence change replaces serine, which is neutral and polar, with leucine, which is neutral and non-polar, at codon 110 of the STX3 protein (p.Ser110Leu). This variant is present in population databases (rs531306282, gnomAD 0.01%). This variant has not been reported in the literature in individuals affected with STX3-related conditions. ClinVar contains an entry for this variant (Variation ID: 1350669). Algorithms developed to predict the effect of missense changes on protein structure and function are either unavailable or do not agree on the potential impact of this missense change (SIFT: "Deleterious"; PolyPhen-2: "Probably Damaging"; Align-GVGD: "Class C0"). In summary, the available evidence is currently insufficient to determine the role of this variant in disease. Therefore, it has been classified as a Variant of Uncertain Significance.